The following is an entry in ClinVar:

ClinVar aggregate classification (germline): Uncertain significance (1 of 4 stars; one submission).

Conditions:
Cardiovascular phenotype. Identifiers: MedGen CN230736.

Submission:

Ambry Genetics
Classification: Uncertain significance for Cardiovascular phenotype. Last evaluated: 2021-08-22. Review status: criteria provided, single submitter. Criteria: Ambry Variant Classification Scheme 2023. Collection method: clinical testing. Allele origin: germline.
Comment: The p.P1018L variant (also known as c.3053C>T), located in coding exon 19 of the SOS1 gene, results from a C to T substitution at nucleotide position 3053. The proline at codon 1018 is replaced by leucine, an amino acid with similar properties. This amino acid position is conserved. In addition, this alteration is predicted to be deleterious by in silico analysis. Since supporting evidence is limited at this time, the clinical significance of this alteration remains unclear.

NM_005633.4(SOS1):c.3053C>T (p.Pro1018Leu)

Gene: SOS1 (SOS Ras/Rac guanine nucleotide exchange factor 1; minus strand). Cytogenetic location: 2p22.1.
Variant type: single nucleotide variant.
Coding change: c.3053C>T on transcript NM_005633.4 (MANE Select); coding-DNA position 3053, C replaced by T.
Protein change: p.Pro1018Leu; replaces proline 1018 with leucine.
Molecular consequence: missense variant.
Genome position (GRCh38, 1-based): chr2:38,996,950, G>A on the plus strand (C>T on the coding strand, the complement: SOS1 is on the minus strand). VCF-style: chr2-38996950-G-A. GRCh37 (hg19) VCF-style: chr2-39224091-G-A.
Other names: c.3032C>T, p.Pro1011Leu (NM_001382394.1); c.3053C>T, p.Pro1018Leu (NM_001382395.1); short protein forms P1018L, P1011L.
Identifiers: ClinVar variation 1799284 (VCV001799284.2), dbSNP rs2528923518, ClinGen allele CA346361345.